The following is an entry in ClinVar:

NM_182925.5(FLT4):c.3894-1G>A

Gene: FLT4 (fms related receptor tyrosine kinase 4; minus strand). Cytogenetic location: 5q35.3.
Variant type: single nucleotide variant.
Coding change: c.3894-1G>A on transcript NM_182925.5 (MANE Select); the canonical splice acceptor site of the intron before coding-DNA position 3894, G replaced by A.
Molecular consequence: splice acceptor variant.
Genome position (GRCh38, 1-based): chr5:180,603,391, C>T on the plus strand (G>A on the coding strand, the complement: FLT4 is on the minus strand). VCF-style: chr5-180603391-C-T. GRCh37 (hg19) VCF-style: chr5-180030391-C-T.
Identifiers: ClinVar variation 997920 (VCV000997920.1), dbSNP rs1164783220, ClinGen allele CA362496397.

ClinVar aggregate classification (germline): Uncertain significance (1 of 4 stars; one submission).

Allele frequency attached by ClinVar (database versions not stated): gnomAD 0.00001; gnomAD exomes below 0.00001; TOPMed 0.00001.
gnomAD v4.1: 3 of 1,613,574 alleles (0.00019%); highest among the groups gnomAD compares: Non-Finnish European, 0.00025%; no homozygotes.

Submission:

Women's Health and Genetics/Laboratory Corporation of America, LabCorp
Classification: Uncertain significance. Last evaluated: 2021-02-15. Review status: criteria provided, single submitter. Criteria: LabCorp Variant Classification Summary - May 2015. Collection method: clinical testing. Allele origin: germline.
Comment: Variant summary: FLT4 c.3894-1G>A is located in a canonical splice-site and is predicted to affect mRNA splicing resulting in a significantly altered protein due to either exon skipping, shortening, or inclusion of intronic material. Several computational tools predict a significant impact on normal splicing: Four predict that the variant abolishes a 3-prime acceptor site. However, these predictions have yet to be confirmed by functional studies. The variant allele was found at a frequency of 4e-06 in 247074 control chromosomes (gnomAD). To our knowledge, no occurrence of c.3894-1G>A in individuals affected with FLT4-Related Disorders and no experimental evidence demonstrating its impact on protein function have been reported. No clinical diagnostic laboratories have submitted clinical-significance assessments for this variant to ClinVar after 2014. Based on the evidence outlined above, the variant was classified as uncertain significance.